The following is an entry in ClinVar:

ClinVar aggregate classification (germline): Pathogenic (1 of 4 stars; one submission).

Submission:

Labcorp Genetics (formerly Invitae), Labcorp
Classification: Pathogenic. Last evaluated: 2023-09-20. Review status: criteria provided, single submitter. Criteria: Invitae Variant Classification Sherloc (09022015). Collection method: clinical testing. Allele origin: germline.
Comment: For these reasons, this variant has been classified as Pathogenic. This variant has not been reported in the literature in individuals affected with MYO18B-related conditions. This variant is present in population databases (no rsID available, gnomAD 0.001%). This sequence change creates a premature translational stop signal (p.Gln485Lysfs*46) in the MYO18B gene. It is expected to result in an absent or disrupted protein product. Loss-of-function variants in MYO18B are known to be pathogenic (PMID: 25748484, 32184166, 32637634).

Literature cited by the submitters: PubMed 25748484; PubMed 32184166; PubMed 32637634.

NM_032608.7(MYO18B):c.1453del (p.Gln485fs)

Gene: MYO18B (myosin XVIIIB; plus strand). Cytogenetic location: 22q12.1.
Variant type: Deletion.
Coding change: c.1453del on transcript NM_032608.7 (MANE Select); coding-DNA position 1453, one base deleted (C; older notation c.1453delC).
Protein change: p.Gln485fs; shifts the reading frame from glutamine 485.
Molecular consequence: frameshift variant.
Genome position (GRCh38, 1-based): chr22:25,769,369, C deleted; the last of 2 consecutive C bases (chr22:25,769,368-25,769,369); deleting either gives the same sequence. VCF-style (leftmost placement, unchanged base first): chr22-25769367-AC-A. GRCh37 (hg19) VCF-style: chr22-26165334-AC-A.
Other names: c.1453del, p.Gln485fs (NM_001318245.2); short protein forms Q485fs.
Identifiers: ClinVar variation 2995166 (VCV002995166.3), dbSNP rs1240061089, ClinGen allele CA638953348.